The following is an entry in ClinVar:

NM_004006.3(DMD):c.7076A>G (p.Gln2359Arg)

Gene: DMD (dystrophin; minus strand). Cytogenetic location: Xp21.1.
Variant type: single nucleotide variant.
Coding change: c.7076A>G on transcript NM_004006.3 (MANE Select); coding-DNA position 7076, A replaced by G.
Protein change: p.Gln2359Arg; replaces glutamine 2359 with arginine.
Molecular consequence: missense variant. On other transcripts: 5 prime UTR variant (5).
Genome position (GRCh38, 1-based): chrX:31,875,210, T>C on the plus strand (A>G on the coding strand, the complement: DMD is on the minus strand). VCF-style: chrX-31875210-T-C. GRCh37 (hg19) VCF-style: chrX-31893327-T-C.
Other names: c.7052A>G, p.Gln2351Arg (NM_000109.4); c.7064A>G, p.Gln2355Arg (NM_004009.3); c.6707A>G, p.Gln2236Arg (NM_004010.3); c.3053A>G, p.Gln1018Arg (NM_004011.4); c.3044A>G, p.Gln1015Arg (NM_004012.4); c.-305A>G (NM_004013.3, NM_004020.4, NM_004021.3 and 2 more transcripts); short protein forms Q2236R, Q2355R, Q2351R, Q2359R, Q1015R, Q1018R.
Identifiers: ClinVar variation 2730876 (VCV002730876.3), dbSNP rs2532452486, ClinGen allele CA412659903.
Genomic context (GRCh38, chrX:31,875,210, plus strand): 5'-AAAAAAGACAAAAATATTTAAAGCAAAAAGTTCCCTACCTTAACGTCAAATGGTCCTTCT[T>C]GGTTTGGTTGGTTATAAATTTCCAACTGATTCCTAATAGGAGATAACCACAGCAGCAGAT-3'
Protein context (NP_003997.2, residues 2349-2369): NQLEIYNQPN[Gln2359Arg]EGPFDVKETE

ClinVar aggregate classification (germline): Uncertain significance (1 of 4 stars; one submission).

Conditions:
Duchenne muscular dystrophy (DMD). Also called: MUSCULAR DYSTROPHY, PSEUDOHYPERTROPHIC PROGRESSIVE, DUCHENNE TYPE; Duchenne Muscular Dystrophy (DMD). Identifiers: Orphanet 98896, MedGen C0013264, MONDO:0010679, OMIM 310200.

Submission:

Labcorp Genetics (formerly Invitae), Labcorp
Classification: Uncertain significance for Duchenne muscular dystrophy. Last evaluated: 2023-04-26. Review status: criteria provided, single submitter. Criteria: Invitae Variant Classification Sherloc (09022015). Collection method: clinical testing. Allele origin: germline.
Comment: In summary, the available evidence is currently insufficient to determine the role of this variant in disease. Therefore, it has been classified as a Variant of Uncertain Significance. Advanced modeling of protein sequence and biophysical properties (such as structural, functional, and spatial information, amino acid conservation, physicochemical variation, residue mobility, and thermodynamic stability) performed at Invitae indicates that this missense variant is not expected to disrupt DMD protein function. This variant has not been reported in the literature in individuals affected with DMD-related conditions. This variant is not present in population databases (gnomAD no frequency). This sequence change replaces glutamine, which is neutral and polar, with arginine, which is basic and polar, at codon 2359 of the DMD protein (p.Gln2359Arg).